The following is an entry in ClinVar:

ClinVar aggregate classification (germline): Uncertain significance. Review status: criteria provided, multiple submitters, no conflicts (2 of 4 stars). 3 submissions from 3 submitters: Uncertain significance (3). Last evaluated 2025-11-08.

Conditions:
Hereditary cancer-predisposing syndrome. Also called: Tumor predisposition; Hereditary neoplastic syndrome; Neoplastic Syndromes, Hereditary; Hereditary Cancer Syndrome. Identifiers: Orphanet 140162, MedGen C0027672, MeSH D009386, MONDO:0015356.

Submissions (3):

Ambry Genetics
Classification: Uncertain significance for Hereditary cancer-predisposing syndrome. Last evaluated: 2025-11-08. Review status: criteria provided, single submitter. Criteria: Ambry Variant Classification Scheme 2023. Collection method: clinical testing. Allele origin: germline.
Comment: The p.Y273N variant (also known as c.817T>A), located in coding exon 5 of the MSH3 gene, results from a T to A substitution at nucleotide position 817. The tyrosine at codon 273 is replaced by asparagine, an amino acid with dissimilar properties. This amino acid position is conserved. In addition, the in silico prediction for this alteration is inconclusive. Based on the available evidence, the clinical significance of this variant remains unclear.

Quest Diagnostics Nichols Institute San Juan Capistrano
Classification: Uncertain significance. Last evaluated: 2025-08-21. Review status: criteria provided, single submitter. Criteria: Quest Diagnostics criteria. Collection method: clinical testing. Allele origin: unknown.
Comment: The MSH3 c.817T>A (p.Tyr273Asn) variant has not been reported in individuals with MSH3-related conditions in the published literature. This variant has not been reported in large, multi-ethnic general populations (Genome Aggregation Database). Analysis of this variant using bioinformatics tools for the prediction of the effect of amino acid changes on protein structure and function yielded conflicting predictions that this variant is benign or damaging. Based on the available information, we are unable to determine the clinical significance of this variant.

Labcorp Genetics (formerly Invitae), Labcorp
Classification: Uncertain significance. Last evaluated: 2021-11-14. Review status: criteria provided, single submitter. Criteria: Invitae Variant Classification Sherloc (09022015). Collection method: clinical testing. Allele origin: germline.
Comment: Algorithms developed to predict the effect of missense changes on protein structure and function are either unavailable or do not agree on the potential impact of this missense change (SIFT: "Tolerated"; PolyPhen-2: "Probably Damaging"; Align-GVGD: "Class C0"). ClinVar contains an entry for this variant (Variation ID: 856742). This variant has not been reported in the literature in individuals affected with MSH3-related conditions. This variant is not present in population databases (gnomAD no frequency). This sequence change replaces tyrosine, which is neutral and polar, with asparagine, which is neutral and polar, at codon 273 of the MSH3 protein (p.Tyr273Asn). In summary, the available evidence is currently insufficient to determine the role of this variant in disease. Therefore, it has been classified as a Variant of Uncertain Significance.

NM_002439.5(MSH3):c.817T>A (p.Tyr273Asn)

Gene: MSH3 (mutS homolog 3; plus strand). Cytogenetic location: 5q14.1.
Variant type: single nucleotide variant.
Coding change: c.817T>A on transcript NM_002439.5 (MANE Select); coding-DNA position 817, T replaced by A.
Protein change: p.Tyr273Asn; replaces tyrosine 273 with asparagine.
Molecular consequence: missense variant.
Genome position (GRCh38, 1-based): chr5:80,672,268, T>A. VCF-style: chr5-80672268-T-A. GRCh37 (hg19) VCF-style: chr5-79968087-T-A.
Other names: c.817T>A (NM_002439.3); short protein forms Y273N.
Identifiers: ClinVar variation 856742 (VCV000856742.9), dbSNP rs186924833, ClinGen allele CA360267097.